The following is an entry in ClinVar:

NM_001252024.2(TRPM1):c.2571A>G (p.Thr857=)

Gene: TRPM1 (transient receptor potential cation channel subfamily M member 1; minus strand). Cytogenetic location: 15q13.3.
Variant type: single nucleotide variant.
Coding change: c.2571A>G on transcript NM_001252024.2 (MANE Select); coding-DNA position 2571, A replaced by G.
Protein change: p.Thr857=; no amino-acid change (threonine 857 retained).
Molecular consequence: synonymous variant.
Genome position (GRCh38, 1-based): chr15:31,037,711, T>C on the plus strand (A>G on the coding strand, the complement: TRPM1 is on the minus strand). VCF-style: chr15-31037711-T-C. GRCh37 (hg19) VCF-style: chr15-31329914-T-C.
Other names: c.2622A>G, p.Thr874= (NM_001252020.2); c.2505A>G, p.Thr835= (NM_002420.6).
Identifiers: ClinVar variation 1961941 (VCV001961941.5), dbSNP rs768760429, ClinGen allele CA7452158.

ClinVar aggregate classification (germline): Uncertain significance (1 of 4 stars; one submission).

Allele frequency attached by ClinVar (database versions not stated): gnomAD exomes below 0.00001; ExAC 0.00001.
gnomAD v4.1: 3 of 1,614,264 alleles (0.00019%); highest among the groups gnomAD compares: South Asian, 0.0011%; no homozygotes.

Submission:

Labcorp Genetics (formerly Invitae), Labcorp
Classification: Uncertain significance. Last evaluated: 2024-01-15. Review status: criteria provided, single submitter. Criteria: Invitae Variant Classification Sherloc (09022015). Collection method: clinical testing. Allele origin: germline.
Comment: This sequence change affects codon 835 of the TRPM1 mRNA. It is a 'silent' change, meaning that it does not change the encoded amino acid sequence of the TRPM1 protein. It affects a nucleotide within the consensus splice site. This variant is present in population databases (rs768760429, gnomAD 0.003%). This variant has not been reported in the literature in individuals affected with TRPM1-related conditions. ClinVar contains an entry for this variant (Variation ID: 1961941). Algorithms developed to predict the effect of sequence changes on RNA splicing suggest that this variant is not likely to affect RNA splicing. In summary, the available evidence is currently insufficient to determine the role of this variant in disease. Therefore, it has been classified as a Variant of Uncertain Significance.